The following is an entry in ClinVar:

NM_003803.4(MYOM1):c.1597C>T (p.Pro533Ser)

Gene: MYOM1 (myomesin 1; minus strand). Cytogenetic location: 18p11.31.
Variant type: single nucleotide variant.
Coding change: c.1597C>T on transcript NM_003803.4 (MANE Select); coding-DNA position 1597, C replaced by T.
Protein change: p.Pro533Ser; replaces proline 533 with serine.
Molecular consequence: missense variant.
Genome position (GRCh38, 1-based): chr18:3,154,993, G>A on the plus strand (C>T on the coding strand, the complement: MYOM1 is on the minus strand). VCF-style: chr18-3154993-G-A. GRCh37 (hg19) VCF-style: chr18-3154991-G-A.
Other names: c.1597C>T, p.Pro533Ser (NM_019856.2); short protein forms P533S.
Identifiers: ClinVar variation 2802592 (VCV002802592.3), dbSNP rs2510673683, ClinGen allele CA401714516.

ClinVar aggregate classification (germline): Uncertain significance (1 of 4 stars; one submission).

Conditions:
Hypertrophic cardiomyopathy. Also called: HYPERTROPHIC MYOCARDIOPATHY. Identifiers: Orphanet 217569, MedGen C0007194, MeSH D002312, MONDO:0005045, HP:0001639.

gnomAD v4.1: 1 of 1,613,104 alleles (0.000062%); highest among the groups gnomAD compares: Non-Finnish European, 0.000085%; no homozygotes.

Submission:

Labcorp Genetics (formerly Invitae), Labcorp
Classification: Uncertain significance for Hypertrophic cardiomyopathy. Last evaluated: 2023-08-27. Review status: criteria provided, single submitter. Criteria: Invitae Variant Classification Sherloc (09022015). Collection method: clinical testing. Allele origin: germline.
Comment: In summary, the available evidence is currently insufficient to determine the role of this variant in disease. Therefore, it has been classified as a Variant of Uncertain Significance. Advanced modeling of protein sequence and biophysical properties (such as structural, functional, and spatial information, amino acid conservation, physicochemical variation, residue mobility, and thermodynamic stability) performed at Invitae indicates that this missense variant is expected to disrupt MYOM1 protein function. This variant has not been reported in the literature in individuals affected with MYOM1-related conditions. This variant is not present in population databases (gnomAD no frequency). This sequence change replaces proline, which is neutral and non-polar, with serine, which is neutral and polar, at codon 533 of the MYOM1 protein (p.Pro533Ser).